The following is an entry in ClinVar:

NM_198253.3(TERT):c.1414C>G (p.Leu472Val)

Gene: TERT (telomerase reverse transcriptase; minus strand). Cytogenetic location: 5p15.33.
Variant type: single nucleotide variant.
Coding change: c.1414C>G on transcript NM_198253.3 (MANE Select); coding-DNA position 1414, C replaced by G.
Protein change: p.Leu472Val; replaces leucine 472 with valine.
Molecular consequence: missense variant. On other transcripts: non-coding transcript variant (2).
Genome position (GRCh38, 1-based): chr5:1,293,472, G>C on the plus strand (C>G on the coding strand, the complement: TERT is on the minus strand). VCF-style: chr5-1293472-G-C. GRCh37 (hg19) VCF-style: chr5-1293587-G-C.
Other names: c.1414C>G, p.Leu472Val (NM_001193376.3, NM_003219.1); short protein forms L472V.
Identifiers: ClinVar variation 3238508 (VCV003238508.1), dbSNP rs2478409993.

ClinVar aggregate classification (germline): Uncertain significance (1 of 4 stars; one submission).

Conditions:
Dyskeratosis congenita. Identifiers: Orphanet 1775, MedGen C0265965, MONDO:0015780.

Submission:

Ambry Genetics
Classification: Uncertain significance for Dyskeratosis congenita. Last evaluated: 2023-03-24. Review status: criteria provided, single submitter. Criteria: Ambry Variant Classification Scheme 2023. Collection method: clinical testing. Allele origin: germline.
Comment: The p.L472V variant (also known as c.1414C>G), located in coding exon 2 of the TERT gene, results from a C to G substitution at nucleotide position 1414. The leucine at codon 472 is replaced by valine, an amino acid with highly similar properties. This amino acid position is conserved. In addition, this alteration is predicted to be tolerated by in silico analysis. Since supporting evidence is limited at this time, the clinical significance of this alteration remains unclear.